The following is an entry in ClinVar:

NM_000274.4(OAT):c.1186C>T (p.Arg396Ter)

Gene: OAT (ornithine aminotransferase; minus strand). Cytogenetic location: 10q26.13.
Variant type: single nucleotide variant.
Coding change: c.1186C>T on transcript NM_000274.4 (MANE Select); coding-DNA position 1186, C replaced by T.
Protein change: p.Arg396Ter; replaces arginine 396 with a stop codon.
Molecular consequence: nonsense.
Genome position (GRCh38, 1-based): chr10:124,398,076, G>A on the plus strand (C>T on the coding strand, the complement: OAT is on the minus strand). VCF-style: chr10-124398076-G-A. GRCh37 (hg19) VCF-style: chr10-126086645-G-A.
Other names: c.772C>T, p.Arg258Ter (NM_001171814.2); c.1186C>T, p.Arg396Ter (NM_001322965.2, NM_001322966.2, NM_001322967.2 and 3 more transcripts); c.865C>T, p.Arg289Ter (NM_001322971.2); c.586C>T, p.Arg196Ter (NM_001322974.2); short protein forms R396*, R258*, R196*, R289*.
Identifiers: ClinVar variation 149 (VCV000000149.18), dbSNP rs121965036, ClinGen allele CA113920.
Genomic context (GRCh38, chr10:124,398,076, plus strand): 5'-GCGCAAACCTGATAATGTCGCCATGGGTTGGCTTGGCCAGAAGTCCATTATCTCGAAGTC[G>A]TAGACACACCTTCCAAGCATCCCAATCTAAAGAAAAATAGTAAAACGTACATGCTCAAAG-3'

ClinVar aggregate classification (germline): Pathogenic/Likely pathogenic. Review status: criteria provided, multiple submitters, no conflicts (2 of 4 stars). 8 submissions from 8 submitters: Pathogenic (5); Likely pathogenic (2). 1 of the submissions does not count toward it. Last evaluated 2025-09-30.

Conditions:
OAT-related disorder. Also called: OAT-related condition.
Retinal dystrophy. Also called: Inherited retinal dystrophy. Identifiers: Orphanet 71862, MedGen C0854723, MeSH D058499, MONDO:0019118, HP:0000556.
Ornithine aminotransferase deficiency (GACR). Also called: OKT DEFICIENCY; Ornithine ketoacid aminotransferase deficiency; Gyrate atrophy; Gyrate atrophy of choroid and retina; Girate atrophy of the retina; HYPERORNITHINEMIA WITH GYRATE ATROPHY OF CHOROID AND RETINA. Identifiers: Orphanet 414, MedGen C0018425, MONDO:0009796, OMIM 258870.

Submissions (8):

Myriad Genetics, Inc.
Classification: Pathogenic for Ornithine aminotransferase deficiency. Last evaluated: 2025-09-30. Review status: criteria provided, single submitter. Criteria: Myriad Autosomal Dominant, Autosomal Recessive and X-Linked Classification Criteria (2023). Collection method: clinical testing. Allele origin: unknown.
Comment: NM_000274.3(OAT):c.1186C>T(R396*) is a nonsense variant classified as pathogenic in the context of ornithine aminotransferase deficiency. R396* has been observed in cases with relevant disease (PMID: 1737786, 39202380). Relevant functional assessments of this variant are not available in the literature. R396* has not been observed in referenced population frequency databases. In summary, NM_000274.3(OAT):c.1186C>T(R396*) is a nonsense variant in a gene where loss of function is a known mechanism of disease, is predicted to disrupt protein function, and has been observed more frequently in cases with the relevant disease than in healthy populations. Please note: this variant was assessed in the context of healthy population screening.

Labcorp Genetics (formerly Invitae), Labcorp
Classification: Pathogenic for Ornithine aminotransferase deficiency. Last evaluated: 2025-05-05. Review status: criteria provided, single submitter. Criteria: Invitae Variant Classification Sherloc (09022015). Collection method: clinical testing. Allele origin: germline.
Comment: This sequence change creates a premature translational stop signal (p.Arg396*) in the OAT gene. While this is not anticipated to result in nonsense mediated decay, it is expected to disrupt the last 44 amino acid(s) of the OAT protein. This variant is not present in population databases (gnomAD no frequency). This premature translational stop signal has been observed in individual(s) with gyrate atrophy (PMID: 1737786). ClinVar contains an entry for this variant (Variation ID: 149). Algorithms developed to predict the effect of sequence changes on RNA splicing suggest that this variant may disrupt the consensus splice site. This variant disrupts a region of the OAT protein in which other variant(s) (p.Arg426*) have been determined to be pathogenic (PMID: 7887415, 23076989). This suggests that this is a clinically significant region of the protein, and that variants that disrupt it are likely to be disease-causing. For these reasons, this variant has been classified as Pathogenic.

GeneDx
Classification: Likely pathogenic. Last evaluated: 2025-02-06. Review status: criteria provided, single submitter. Criteria: GeneDx Variant Classification Process June 2021. Collection method: clinical testing. Allele origin: germline. Affected: yes.
Comment: Nonsense variant predicted to result in protein truncation, as the last 44 amino acids are lost, and other loss-of-function variants have been reported downstream in HGMD; Not observed at significant frequency in large population cohorts (gnomAD); This variant is associated with the following publications: (PMID: 2492100, 1737786, 31589614)

Fulgent Genetics
Classification: Likely pathogenic for Ornithine aminotransferase deficiency. Last evaluated: 2024-04-23. Review status: criteria provided, single submitter. Criteria: ACMG Guidelines, 2015. Collection method: clinical testing. Allele origin: germline.

Baylor Genetics
Classification: Pathogenic for Ornithine aminotransferase deficiency. Last evaluated: 2024-02-20. Review status: criteria provided, single submitter. Criteria: ACMG Guidelines, 2015. Collection method: clinical testing. Allele origin: unknown.

Blueprint Genetics
Classification: Pathogenic for OAT-related disorders. Last evaluated: 2021-09-23. Review status: criteria provided, single submitter. Criteria: ACMG Guidelines, 2015. Collection method: clinical testing. Allele origin: germline. Affected: yes. Observed: 1 variant allele.

Institute of Human Genetics, Univ. Regensburg, Univ. Regensburg
Classification: Pathogenic for Retinal dystrophy. Last evaluated: 2021-01-01. Review status: criteria provided, single submitter. Criteria: ACMG Guidelines, 2015. Collection method: clinical testing. Allele origin: germline. Affected: yes.

OMIM
Classification: Pathogenic for GYRATE ATROPHY OF CHOROID AND RETINA. Last evaluated: 1992-02-15. Review status: no assertion criteria provided. Collection method: literature only. Allele origin: germline. Not counted in ClinVar's aggregate classification.

Literature cited by the submitters: PubMed 1737786 (cited by 4 submitters); PubMed 39202380 (cited by Myriad Genetics, Inc.); PubMed 7887415 (cited by Labcorp Genetics (formerly Invitae), Labcorp); PubMed 23076989 (cited by Labcorp Genetics (formerly Invitae), Labcorp); PubMed 2492100 (cited by Institute of Human Genetics, Univ. Regensburg, Univ. Regensburg); PubMed 31589614 (cited by Institute of Human Genetics, Univ. Regensburg, Univ. Regensburg); PubMed 3339136 (cited by OMIM).